The following is an entry in ClinVar:

ClinVar aggregate classification (germline): Benign. Review status: criteria provided, multiple submitters, no conflicts (2 of 4 stars). 4 submissions from 4 submitters: Benign (4). Last evaluated 2021-07-14.

Conditions:
Systemic lupus erythematosus (SLE). Identifiers: Orphanet 536, MedGen C0024141, MONDO:0007915, OMIM 152700, HP:0002725.
Maturity-onset diabetes of the young type 11. Identifiers: Orphanet 552, MedGen C3150618, MONDO:0013242, OMIM 613375.

Allele frequency attached by ClinVar (database versions not stated): 1000 Genomes Project 0.29932; 1000 Genomes Project 30x 0.31121; TOPMed 0.40024; gnomAD 0.41052 and 0.41844.
gnomAD v4.1: 733,793 of 1,610,296 alleles (46%); highest among the groups gnomAD compares: Non-Finnish European, 50%; 176,966 homozygotes.

Submissions (4):

Genome-Nilou Lab
Classification: Benign for Maturity-onset diabetes of the young type 11. Last evaluated: 2021-07-14. Review status: criteria provided, single submitter. Criteria: ACMG Guidelines, 2015. Collection method: clinical testing. Allele origin: germline. Affected: no.

GeneDx
Classification: Benign. Last evaluated: 2018-08-17. Review status: criteria provided, single submitter. Criteria: GeneDx Variant Classification Process June 2021. Collection method: clinical testing. Allele origin: germline. Affected: yes.

Breakthrough Genomics
Classification: Benign. Review status: criteria provided, single submitter. Criteria: ACMG Guidelines, 2015. Collection method: not provided. Allele origin: germline. Inheritance: Autosomal dominant inheritance. Affected: yes.

Clinical Genomics, Uppaluri K&H Personalized Medicine Clinic
Classification: Benign for Systemic lupus erythematosus. Review status: criteria provided, single submitter. Criteria: K & H Uppaluri Personalized Medicine Clinic Variant Classification & Assertion Criteria_Updated V.1. Collection method: research. Allele origin: unknown.
Comment: BLK gene is associated with Systemic lupus erythematosus, sjogren's syndrome and other systemic inflammatory conditions. However no sufficient evidence is found to ascertain the role of this particular variant rs2245250, yet.

Literature cited by the submitters: PubMed 32313195 (cited by Clinical Genomics, Uppaluri K&H Personalized Medicine Clinic); PubMed 19667185 (cited by Clinical Genomics, Uppaluri K&H Personalized Medicine Clinic); PubMed 18204098 (cited by Clinical Genomics, Uppaluri K&H Personalized Medicine Clinic); PubMed 24023612 (cited by Clinical Genomics, Uppaluri K&H Personalized Medicine Clinic); PubMed 31670388 (cited by Clinical Genomics, Uppaluri K&H Personalized Medicine Clinic).

NM_001715.3(BLK):c.-1-53G>A

Gene: BLK (BLK proto-oncogene, Src family tyrosine kinase). Cytogenetic location: 8p23.1.
Variant type: single nucleotide variant.
Coding change: c.-1-53G>A on transcript NM_001715.3 (MANE Select); 53 bases into the intron before 1 bases upstream of the start codon, G replaced by A.
Molecular consequence: intron variant.
Genome position (GRCh38, 1-based): chr8:11,543,171, G>A. VCF-style: chr8-11543171-G-A. GRCh37 (hg19) VCF-style: chr8-11400680-G-A.
Other names: c.-90-2881G>A (NM_001330465.2).
Identifiers: ClinVar variation 1192423 (VCV001192423.7), dbSNP rs2245250, ClinGen allele CA12829700.
Genomic context (GRCh38, chr8:11,543,171, plus strand): 5'-CTTCCACCCCACCTTTCTAACCAGCCTCCCGGAAGGGGCCAGGGATCCCCTCTGTGCAGA[G>A]GATCTGAGGCCCCGCTCTCTCATGTCCTCTGTCTGCTGTGTGTCTCCGACAGGATGGGGC-3'